The following is an entry in ClinVar:

ClinVar aggregate classification (germline): Uncertain significance (1 of 4 stars; one submission).

Conditions:
Hypertrophic cardiomyopathy. Also called: HYPERTROPHIC MYOCARDIOPATHY. Identifiers: Orphanet 217569, MedGen C0007194, MeSH D002312, MONDO:0005045, HP:0001639.

Submission:

Labcorp Genetics (formerly Invitae), Labcorp
Classification: Uncertain significance for Hypertrophic cardiomyopathy. Last evaluated: 2023-07-17. Review status: criteria provided, single submitter. Criteria: Invitae Variant Classification Sherloc (09022015). Collection method: clinical testing. Allele origin: germline.
Comment: In summary, the available evidence is currently insufficient to determine the role of this variant in disease. Therefore, it has been classified as a Variant of Uncertain Significance. Advanced modeling of protein sequence and biophysical properties (such as structural, functional, and spatial information, amino acid conservation, physicochemical variation, residue mobility, and thermodynamic stability) performed at Invitae indicates that this missense variant is expected to disrupt MYH7 protein function. ClinVar contains an entry for this variant (Variation ID: 651510). This variant has not been reported in the literature in individuals affected with MYH7-related conditions. This variant is not present in population databases (gnomAD no frequency). This sequence change replaces leucine, which is neutral and non-polar, with methionine, which is neutral and non-polar, at codon 1544 of the MYH7 protein (p.Leu1544Met).

NM_000257.4(MYH7):c.4630C>A (p.Leu1544Met)

Genes: MHRT (myosin heavy chain associated RNA transcript; plus strand), MYH7 (myosin heavy chain 7; minus strand). Cytogenetic location: 14q11.2.
Variant type: single nucleotide variant.
Coding change: c.4630C>A on transcript NM_000257.4 (MANE Select); coding-DNA position 4630, C replaced by A.
Protein change: p.Leu1544Met; replaces leucine 1544 with methionine.
Molecular consequence: missense variant.
Genome position (GRCh38, 1-based): chr14:23,416,882, G>T on the plus strand (C>A on the coding strand, the complement: MYH7 is on the minus strand). VCF-style: chr14-23416882-G-T. GRCh37 (hg19) VCF-style: chr14-23886091-G-T.
Other names: short protein forms L1544M.
Identifiers: ClinVar variation 651510 (VCV000651510.10), dbSNP rs1595074238, ClinGen allele CA389037988.